The following is an entry in ClinVar:

NM_000023.4(SGCA):c.164C>T (p.Pro55Leu)

Gene: SGCA (sarcoglycan alpha; plus strand). Cytogenetic location: 17q21.33.
Variant type: single nucleotide variant.
Coding change: c.164C>T on transcript NM_000023.4 (MANE Select); coding-DNA position 164, C replaced by T.
Protein change: p.Pro55Leu; replaces proline 55 with leucine.
Molecular consequence: missense variant. On other transcripts: non-coding transcript variant (1).
Genome position (GRCh38, 1-based): chr17:50,167,588, C>T. VCF-style: chr17-50167588-C-T. GRCh37 (hg19) VCF-style: chr17-48244949-C-T.
Other names: c.164C>T, p.Pro55Leu (NM_001135697.3); short protein forms P55L.
Identifiers: ClinVar variation 2037363 (VCV002037363.1), dbSNP rs1253463418, ClinGen allele CA400177153.

ClinVar aggregate classification (germline): Uncertain significance (1 of 4 stars; one submission).

Conditions:
Autosomal recessive limb-girdle muscular dystrophy type 2D (LGMDR3). Also called: DUCHENNE-LIKE AUTOSOMAL RECESSIVE MUSCULAR DYSTROPHY, TYPE 2; MUSCULAR DYSTROPHY, LIMB-GIRDLE, AUTOSOMAL RECESSIVE 3; ADHALINOPATHY, PRIMARY. Identifiers: Orphanet 62, MedGen C2936332, MONDO:0011968, OMIM 608099. Disease mechanism: Affects gamma-sarcoglycan and also disrupts the integrity of the entire sarcoglycan complex..

Allele frequency attached by ClinVar (database versions not stated): gnomAD 0.00001; gnomAD exomes 0.00001; TOPMed 0.00001.
gnomAD v4.1: 6 of 1,613,422 alleles (0.00037%); highest among the groups gnomAD compares: Admixed American, 0.01%; no homozygotes.

Submission:

Labcorp Genetics (formerly Invitae), Labcorp
Classification: Uncertain significance for Autosomal recessive limb-girdle muscular dystrophy type 2D. Last evaluated: 2022-10-13. Review status: criteria provided, single submitter. Criteria: Invitae Variant Classification Sherloc (09022015). Collection method: clinical testing. Allele origin: germline.
Comment: This sequence change replaces proline, which is neutral and non-polar, with leucine, which is neutral and non-polar, at codon 55 of the SGCA protein (p.Pro55Leu). This variant is present in population databases (no rsID available, gnomAD 0.01%). This variant has not been reported in the literature in individuals affected with SGCA-related conditions. Advanced modeling of protein sequence and biophysical properties (such as structural, functional, and spatial information, amino acid conservation, physicochemical variation, residue mobility, and thermodynamic stability) performed at Invitae indicates that this missense variant is not expected to disrupt SGCA protein function. In summary, the available evidence is currently insufficient to determine the role of this variant in disease. Therefore, it has been classified as a Variant of Uncertain Significance.